The following is an entry in ClinVar:

ClinVar aggregate classification (germline): Uncertain significance (1 of 4 stars; one submission).

Allele frequency attached by ClinVar (database versions not stated): gnomAD 0.00001; gnomAD exomes 0.00001; TOPMed 0.00001.

Submission:

Labcorp Genetics (formerly Invitae), Labcorp
Classification: Uncertain significance. Last evaluated: 2022-06-22. Review status: criteria provided, single submitter. Criteria: Invitae Variant Classification Sherloc (09022015). Collection method: clinical testing. Allele origin: germline.
Comment: This sequence change replaces isoleucine, which is neutral and non-polar, with threonine, which is neutral and polar, at codon 288 of the KIF11 protein (p.Ile288Thr). This variant is not present in population databases (gnomAD no frequency). This variant has not been reported in the literature in individuals affected with KIF11-related conditions. Algorithms developed to predict the effect of missense changes on protein structure and function (SIFT, PolyPhen-2, Align-GVGD) all suggest that this variant is likely to be disruptive. In summary, the available evidence is currently insufficient to determine the role of this variant in disease. Therefore, it has been classified as a Variant of Uncertain Significance.

NM_004523.4(KIF11):c.863T>C (p.Ile288Thr)

Gene: KIF11 (kinesin family member 11; plus strand). Cytogenetic location: 10q23.33.
Variant type: single nucleotide variant.
Coding change: c.863T>C on transcript NM_004523.4 (MANE Select); coding-DNA position 863, T replaced by C.
Protein change: p.Ile288Thr; replaces isoleucine 288 with threonine.
Molecular consequence: missense variant.
Genome position (GRCh38, 1-based): chr10:92,613,450, T>C. VCF-style: chr10-92613450-T-C. GRCh37 (hg19) VCF-style: chr10-94373207-T-C.
Other names: short protein forms I288T.
Identifiers: ClinVar variation 1470703 (VCV001470703.8), dbSNP rs1171219436, ClinGen allele CA377590338.